The following is an entry in ClinVar:

NM_002661.5(PLCG2):c.1010G>A (p.Arg337Gln)

Gene: PLCG2 (phospholipase C gamma 2; plus strand). Cytogenetic location: 16q23.3.
Variant type: single nucleotide variant.
Coding change: c.1010G>A on transcript NM_002661.5 (MANE Select); coding-DNA position 1010, G replaced by A.
Protein change: p.Arg337Gln; replaces arginine 337 with glutamine.
Molecular consequence: missense variant.
Genome position (GRCh38, 1-based): chr16:81,893,732, G>A. VCF-style: chr16-81893732-G-A. GRCh37 (hg19) VCF-style: chr16-81927337-G-A.
Other names: c.1010G>A (NM_002661.3); short protein forms R337Q.
Identifiers: ClinVar variation 932680 (VCV000932680.42), dbSNP rs1164040767, ClinGen allele CA396898552.

ClinVar aggregate classification (germline): Uncertain significance. Review status: criteria provided, multiple submitters, no conflicts (2 of 4 stars). 3 submissions from 3 submitters: Uncertain significance (3). Last evaluated 2024-04-27.

Conditions:
Inborn genetic diseases. Identifiers: MedGen C0950123, MeSH D030342.
Familial cold autoinflammatory syndrome 3 (FCAS3). Also called: FAMILIAL ATYPICAL COLD URTICARIA; ANTIBODY DEFICIENCY AND IMMUNE DYSREGULATION, PLCG2-ASSOCIATED. Identifiers: Orphanet 300359, MedGen C3280914, MONDO:0013766, OMIM 614468.

Allele frequency attached by ClinVar (database versions not stated): gnomAD exomes below 0.00001; gnomAD 0.00001; TOPMed 0.00001.

Submissions (3):

Labcorp Genetics (formerly Invitae), Labcorp
Classification: Uncertain significance for Familial cold autoinflammatory syndrome 3. Last evaluated: 2024-04-27. Review status: criteria provided, single submitter. Criteria: Invitae Variant Classification Sherloc (09022015). Collection method: clinical testing. Allele origin: germline.
Comment: This sequence change replaces arginine, which is basic and polar, with glutamine, which is neutral and polar, at codon 337 of the PLCG2 protein (p.Arg337Gln). This variant is not present in population databases (gnomAD no frequency). This variant has not been reported in the literature in individuals affected with PLCG2-related conditions. ClinVar contains an entry for this variant (Variation ID: 932680). An algorithm developed to predict the effect of missense changes on protein structure and function (PolyPhen-2) suggests that this variant is likely to be disruptive. In summary, the available evidence is currently insufficient to determine the role of this variant in disease. Therefore, it has been classified as a Variant of Uncertain Significance.

Ambry Genetics
Classification: Uncertain significance for Inborn genetic diseases. Last evaluated: 2023-10-03. Review status: criteria provided, single submitter. Criteria: Ambry Variant Classification Scheme 2023. Collection method: clinical testing. Allele origin: germline.

CeGaT Center for Human Genetics Tuebingen
Classification: Uncertain significance. Last evaluated: 2020-05-01. Review status: criteria provided, single submitter. Criteria: CeGaT Center For Human Genetics Tuebingen Variant Classification Criteria Version 2. Collection method: clinical testing. Allele origin: germline. Affected: yes. Observed: 3 variant alleles.